The following is an entry in ClinVar:

ClinVar aggregate classification (germline): Likely benign. Review status: reviewed by expert panel (3 of 4 stars). 18 submissions from 18 submitters: Likely benign (1). 17 of the submissions do not count toward it. Last evaluated 2017-06-29.

Conditions:
BRCA2-related disorder. Also called: BRCA2-related condition; BRCA2-related disorders. Identifiers: MedGen CN239275.
Hereditary cancer-predisposing syndrome. Also called: Tumor predisposition; Neoplastic Syndromes, Hereditary; Hereditary Cancer Syndrome; Hereditary neoplastic syndrome. Identifiers: Orphanet 140162, MedGen C0027672, MeSH D009386, MONDO:0015356.
Hereditary breast ovarian cancer syndrome. Also called: Hereditary breast and ovarian cancer; Hereditary breast and ovarian cancer syndrome (HBOC); Breast and ovarian cancer; Hereditary breast and/or ovarian cancer syndrome; BRCA1- and BRCA2-Associated Hereditary Breast and Ovarian Cancer; Hereditary breast and ovarian cancer syndrome. Identifiers: Orphanet 145, MedGen C0677776, MeSH D061325, MONDO:0003582. Disease mechanism: loss of function.
Breast-ovarian cancer, familial, susceptibility to, 2 (BROVCA2). Also called: BRCA2 Hereditary Breast and Ovarian Cancer. Identifiers: Orphanet 145, MedGen C2675520, MONDO:0012933, OMIM 612555. Disease mechanism: loss of function.

Allele frequency attached by ClinVar (database versions not stated): gnomAD 0.00001; ExAC 0.00002; gnomAD exomes 0.00002 and 0.00004; TOPMed 0.00002; ESP Exome Variant Server 0.00008.
gnomAD v4.1: 52 of 1,613,516 alleles (0.0032%); highest among the groups gnomAD compares: Non-Finnish European, 0.0043%; no homozygotes.

Submissions (18):

Evidence-based Network for the Interpretation of Germline Mutant Alleles (ENIGMA)
Classification: Likely benign for Breast-ovarian cancer, familial, susceptibility to, 2. Last evaluated: 2017-06-29. Review status: reviewed by expert panel. Criteria: ENIGMA BRCA1/2 Classification Criteria (2017-06-29). Collection method: curation. Allele origin: germline.
Comment: Synonymous substitution variant, with low bioinformatic likelihood to result in a splicing aberration (Splicing prior probability 0.02).

CeGaT Center for Human Genetics Tuebingen
Classification: Likely benign. Last evaluated: 2026-06-01. Review status: criteria provided, single submitter. Criteria: CeGaT Center For Human Genetics Tuebingen Variant Classification Criteria Version 2. Collection method: clinical testing. Allele origin: germline. Affected: yes. Observed: 2 variant alleles. Not counted in ClinVar's aggregate classification.
Comment: BRCA2: BP4, BP7

Institute for Biomarker Research, Medical Diagnostic Laboratories, L.L.C.
Classification: Likely benign for Hereditary breast ovarian cancer syndrome. Last evaluated: 2025-11-24. Review status: criteria provided, single submitter. Criteria: ACMG Guidelines, 2015. Collection method: clinical testing. Allele origin: germline. Not counted in ClinVar's aggregate classification.
Comment: The synonymous variant NM_000059.4(BRCA2):c.4494T>A (p.Gly1498=) has been reported to ClinVar as Likely benign with a status of (3 stars) reviewed by expert panel (Accession: VCV000184407.47). The p.Gly1498= variant is observed in 5/112,958 (0.0044%) alleles from individuals of gnomAD Non Finnish European background in gnomAD. The p.Gly1498= variant is not predicted to disrupt an existing splice site. The p.Gly1498= variant results in a substitution of a base that is not predicted conserved by GERP++ and PhyloP. For these reasons, this variant has been classified as Likely Benign.

Labcorp Genetics (formerly Invitae), Labcorp
Classification: Likely benign for Hereditary breast ovarian cancer syndrome. Last evaluated: 2025-08-07. Review status: criteria provided, single submitter. Criteria: Invitae Variant Classification Sherloc (09022015). Collection method: clinical testing. Allele origin: germline. Not counted in ClinVar's aggregate classification.

PreventionGenetics, part of Exact Sciences
Classification: Likely benign for BRCA2-related condition. Last evaluated: 2025-07-18. Review status: criteria provided, single submitter. Criteria: ACMG Guidelines, 2015. Collection method: clinical testing. Allele origin: germline. Not counted in ClinVar's aggregate classification.
Comment: This variant is classified as likely benign based on ACMG/AMP sequence variant interpretation guidelines (Richards et al. 2015 PMID: 25741868, with internal and published modifications).

Laboratory of Genetics, Children's Clinical University Hospital Latvia
Classification: Benign. Last evaluated: 2025-02-16. Review status: criteria provided, single submitter. Criteria: ACMG Guidelines, 2015. Collection method: clinical testing. Allele origin: germline. Affected: yes. Not counted in ClinVar's aggregate classification.

All of Us Research Program, National Institutes of Health
Classification: Likely benign for Breast-ovarian cancer, familial, susceptibility to, 2. Last evaluated: 2023-12-01. Review status: criteria provided, single submitter. Criteria: ACMG Guidelines, 2015. Collection method: clinical testing. Allele origin: germline. Inheritance: Autosomal dominant inheritance. Observed: 6 variant alleles, 6 heterozygotes. Not counted in ClinVar's aggregate classification.
Comment: This study involves interpretation of variants in research participants for the purpose of population health screening. Participant phenotype was not available at the time of variant classification. Additional details can be found in publication PMID: 35346344, PMCID: PMC8962531

Quest Diagnostics Nichols Institute San Juan Capistrano
Classification: Likely benign. Last evaluated: 2023-05-26. Review status: criteria provided, single submitter. Criteria: Quest Diagnostics criteria. Collection method: clinical testing. Allele origin: unknown. Not counted in ClinVar's aggregate classification.

Sema4
Classification: Likely benign for Hereditary cancer-predisposing syndrome. Last evaluated: 2022-01-04. Review status: criteria provided, single submitter. Criteria: Sema4 Curation Guidelines. Collection method: curation. Allele origin: germline. Not counted in ClinVar's aggregate classification.

Blueprint Genetics
Classification: Likely benign. Last evaluated: 2021-04-27. Review status: criteria provided, single submitter. Criteria: ACMG Guidelines, 2015. Collection method: clinical testing. Allele origin: germline. Not counted in ClinVar's aggregate classification.

Women's Health and Genetics/Laboratory Corporation of America, LabCorp
Classification: Likely benign. Last evaluated: 2019-08-21. Review status: criteria provided, single submitter. Criteria: LabCorp Variant Classification Summary - May 2015. Collection method: clinical testing. Allele origin: germline. Not counted in ClinVar's aggregate classification.

GeneDx
Classification: Likely benign. Last evaluated: 2019-05-08. Review status: criteria provided, single submitter. Criteria: GeneDx Variant Classification Process June 2021. Collection method: clinical testing. Allele origin: germline. Affected: yes. Not counted in ClinVar's aggregate classification.

Color Diagnostics, LLC DBA Color Health
Classification: Likely benign for Hereditary cancer-predisposing syndrome. Last evaluated: 2017-03-07. Review status: criteria provided, single submitter. Criteria: ACMG Guidelines, 2015. Collection method: clinical testing. Allele origin: germline. Not counted in ClinVar's aggregate classification.

Genome Diagnostics Laboratory, University Medical Center Utrecht
Classification: Likely benign for Breast-ovarian cancer, familial, susceptibility to, 2. Last evaluated: 2016-11-08. Review status: criteria provided, single submitter. Criteria: ACGS Guidelines, 2013. Collection method: clinical testing. Allele origin: germline. Affected: yes. Study: VKGL Data-share Consensus. Not counted in ClinVar's aggregate classification.

Clinical Genetics DNA and cytogenetics Diagnostics Lab, Erasmus MC, Erasmus Medical Center
Classification: Likely benign for Breast-ovarian cancer, familial, susceptibility to, 2. Last evaluated: 2015-09-21. Review status: criteria provided, single submitter. Criteria: ACGS Guidelines, 2013. Collection method: clinical testing. Allele origin: germline. Affected: yes. Study: VKGL Data-share Consensus. Not counted in ClinVar's aggregate classification.

Ambry Genetics
Classification: Likely benign for Hereditary cancer-predisposing syndrome. Last evaluated: 2014-09-18. Review status: criteria provided, single submitter. Criteria: Ambry Variant Classification Scheme 2023. Collection method: clinical testing. Allele origin: germline. Not counted in ClinVar's aggregate classification.

Clinical Genetics Laboratory, Department of Pathology, Netherlands Cancer Institute
Classification: Likely benign. Review status: no assertion criteria provided. Collection method: clinical testing. Allele origin: germline. Affected: yes. Study: VKGL Data-share Consensus. Not counted in ClinVar's aggregate classification.

Joint Genome Diagnostic Labs from Nijmegen and Maastricht, Radboudumc and MUMC+
Classification: Likely benign. Review status: no assertion criteria provided. Collection method: clinical testing. Allele origin: germline. Affected: yes. Study: VKGL Data-share Consensus. Not counted in ClinVar's aggregate classification.

NM_000059.4(BRCA2):c.4494T>A (p.Gly1498=)

Gene: BRCA2 (BRCA2 DNA repair associated; plus strand). Cytogenetic location: 13q13.1.
Variant type: single nucleotide variant.
Coding change: c.4494T>A on transcript NM_000059.4 (MANE Select); coding-DNA position 4494, T replaced by A.
Protein change: p.Gly1498=; no amino-acid change (glycine 1498 retained).
Molecular consequence: synonymous variant.
Genome position (GRCh38, 1-based): chr13:32,338,849, T>A. VCF-style: chr13-32338849-T-A. GRCh37 (hg19) VCF-style: chr13-32912986-T-A.
Identifiers: ClinVar variation 184407 (VCV000184407.57), dbSNP rs373160367, ClinGen allele CA020285.
Genomic context (GRCh38, chr13:32,338,849, plus strand): 5'-AAGTTATGAGGAAACAGACATAGTTAAACACAAAATACTGAAAGAAAGTGTCCCAGTTGG[T>A]ACTGGAAATCAACTAGTGACCTTCCAGGGACAACCCGAACGTGATGAAAAGATCAAAGAA-3'
Protein context (NP_000050.3, residues 1488-1508): HKILKESVPV[Gly1498=]TGNQLVTFQG